The following is an entry in ClinVar:

ClinVar aggregate classification (germline): Uncertain significance (1 of 4 stars; one submission).

Conditions:
Gastrointestinal stromal tumor. Also called: Gastrointestinal stromal tumor, somatic; Gastrointestinal stroma tumor. Identifiers: Orphanet 44890, MedGen C0238198, MeSH D046152, MONDO:0011719, OMIM 606764, HP:0100723.

Submission:

Labcorp Genetics (formerly Invitae), Labcorp
Classification: Uncertain significance for Gastrointestinal stromal tumor. Last evaluated: 2023-12-12. Review status: criteria provided, single submitter. Criteria: Invitae Variant Classification Sherloc (09022015). Collection method: clinical testing. Allele origin: germline.
Comment: This sequence change creates a premature translational stop signal (p.Lys702*) in the PDGFRA gene. It is expected to result in an absent or disrupted protein product. However, the current clinical and genetic evidence is not sufficient to establish whether loss-of-function variants in PDGFRA cause disease. This variant is not present in population databases (gnomAD no frequency). This variant has not been reported in the literature in individuals affected with PDGFRA-related conditions. In summary, the available evidence is currently insufficient to determine the role of this variant in disease. Therefore, it has been classified as a Variant of Uncertain Significance.

NM_006206.6(PDGFRA):c.2104A>T (p.Lys702Ter)

Gene: PDGFRA (platelet derived growth factor receptor alpha; plus strand). Cytogenetic location: 4q12.
Variant type: single nucleotide variant.
Coding change: c.2104A>T on transcript NM_006206.6 (MANE Select); coding-DNA position 2104, A replaced by T.
Protein change: p.Lys702Ter; replaces lysine 702 with a stop codon.
Molecular consequence: nonsense.
Genome position (GRCh38, 1-based): chr4:54,278,463, A>T. VCF-style: chr4-54278463-A-T. GRCh37 (hg19) VCF-style: chr4-55144630-A-T.
Other names: c.2179A>T, p.Lys727Ter (NM_001347828.2); c.2104A>T, p.Lys702Ter (NM_001347829.2, NM_001347827.2); c.2143A>T, p.Lys715Ter (NM_001347830.2); short protein forms K702*, K727*, K715*.
Identifiers: ClinVar variation 2702359 (VCV002702359.3), dbSNP rs1262195275, ClinGen allele CA356894058.